The following is an entry in ClinVar:

NM_001256071.3(RNF213):c.10487C>T (p.Ser3496Leu)

Genes: RNF213-AS1 (RNF213 antisense RNA 1; minus strand), RNF213 (ring finger protein 213; plus strand). Cytogenetic location: 17q25.3.
Variant type: single nucleotide variant.
Coding change: c.10487C>T on transcript NM_001256071.3 (MANE Select); coding-DNA position 10487, C replaced by T.
Protein change: p.Ser3496Leu; replaces serine 3496 with leucine.
Molecular consequence: missense variant. On other transcripts: non-coding transcript variant (1).
Genome position (GRCh38, 1-based): chr17:80,353,575, C>T. VCF-style: chr17-80353575-C-T. GRCh37 (hg19) VCF-style: chr17-78327375-C-T.
Other names: short protein forms S3496L.
Identifiers: ClinVar variation 726381 (VCV000726381.6), dbSNP rs139113160, ClinGen allele CA8821463.

ClinVar aggregate classification (germline): Likely benign. Review status: criteria provided, multiple submitters, no conflicts (2 of 4 stars). 2 submissions from 2 submitters: Likely benign (2). Last evaluated 2026-04-28.

Conditions:
RNF213-related disorder. Also called: RNF213-related condition.

Allele frequency attached by ClinVar (database versions not stated): gnomAD exomes 0.00016 and 0.00026; ExAC 0.00031; ESP Exome Variant Server 0.00077; gnomAD 0.00092 and 0.00095; 1000 Genomes Project 0.00100; 1000 Genomes Project 30x 0.00109; TOPMed 0.00119.
gnomAD v4.1: 388 of 1,613,938 alleles (0.024%); highest among the groups gnomAD compares: African/African-American, 0.33%; 1 homozygote.

Submissions (2):

PreventionGenetics, part of Exact Sciences
Classification: Likely benign for RNF213-related condition. Last evaluated: 2026-04-28. Review status: criteria provided, single submitter. Criteria: ACMG Guidelines, 2015. Collection method: clinical testing. Allele origin: germline.
Comment: This variant is classified as likely benign based on ACMG/AMP sequence variant interpretation guidelines (Richards et al. 2015 PMID: 25741868, with internal and published modifications).

Labcorp Genetics (formerly Invitae), Labcorp
Classification: Likely benign. Last evaluated: 2024-12-04. Review status: criteria provided, single submitter. Criteria: Invitae Variant Classification Sherloc (09022015). Collection method: clinical testing. Allele origin: germline.